The following is an entry in ClinVar:

NM_203475.3(PORCN):c.296T>G (p.Leu99Arg)

Gene: PORCN (porcupine O-acyltransferase; plus strand). Cytogenetic location: Xp11.23.
Variant type: single nucleotide variant.
Coding change: c.296T>G on transcript NM_203475.3 (MANE Select); coding-DNA position 296, T replaced by G.
Protein change: p.Leu99Arg; replaces leucine 99 with arginine.
Molecular consequence: missense variant. On other transcripts: non-coding transcript variant (2).
Genome position (GRCh38, 1-based): chrX:48,511,454, T>G. VCF-style: chrX-48511454-T-G. GRCh37 (hg19) VCF-style: chrX-48369842-T-G.
Other names: c.83T>G, p.Leu28Arg (NM_001282167.2); c.635T>G, p.Leu212Arg (NM_001441333.1, NM_001441334.1); c.401T>G, p.Leu134Arg (NM_001441335.1); c.488T>G, p.Leu163Arg (NM_001441336.1); c.296T>G, p.Leu99Arg (NM_022825.4, NM_203473.3, NM_203474.1); short protein forms L134R, L163R, L212R, L28R, L99R.
Identifiers: ClinVar variation 4687039 (VCV004687039.1).

ClinVar aggregate classification (germline): Uncertain significance (1 of 4 stars; one submission).

Submission:

GeneDx
Classification: Uncertain significance. Last evaluated: 2025-07-26. Review status: criteria provided, single submitter. Criteria: GeneDx Variant Classification Process June 2021. Collection method: clinical testing. Allele origin: germline. Affected: yes.
Comment: Not observed at significant frequency in large population cohorts (gnomAD); In silico analysis supports that this missense variant has a deleterious effect on protein structure/function; Has not been previously published as pathogenic or benign to our knowledge